The following is an entry in ClinVar:

NM_020975.6(RET):c.2427C>T (p.Tyr809=)

Gene: RET (ret proto-oncogene; plus strand). Cytogenetic location: 10q11.21.
Variant type: single nucleotide variant.
Coding change: c.2427C>T on transcript NM_020975.6 (MANE Select); coding-DNA position 2427, C replaced by T.
Protein change: p.Tyr809=; no amino-acid change (tyrosine 809 retained).
Molecular consequence: synonymous variant.
Genome position (GRCh38, 1-based): chr10:43,119,565, C>T. VCF-style: chr10-43119565-C-T. GRCh37 (hg19) VCF-style: chr10-43615013-C-T.
Other names: c.2427C>T, p.Tyr809= (NM_000323.2, NM_001406743.1, NM_001406744.1 and 4 more transcripts); c.1665C>T, p.Tyr555= (NM_001355216.2); c.2298C>T, p.Tyr766= (NM_001406761.1, NM_001406762.1, NM_001406764.1); c.2292C>T, p.Tyr764= (NM_001406763.1, NM_001406765.1); c.2139C>T, p.Tyr713= (NM_001406766.1, NM_001406767.1, NM_001406770.1); c.2163C>T, p.Tyr721= (NM_001406768.1); c.2031C>T, p.Tyr677= (NM_001406769.1, NM_001406772.1); c.1989C>T, p.Tyr663= (NM_001406771.1, NM_001406773.1); and 10 more.
Identifiers: ClinVar variation 241347 (VCV000241347.28), dbSNP rs577929869, ClinGen allele CA039201.

ClinVar aggregate classification (germline): Benign/Likely benign. Review status: criteria provided, multiple submitters, no conflicts (2 of 4 stars). 9 submissions from 9 submitters: Benign (2); Likely benign (7). Last evaluated 2026-01-31.

Conditions:
Pheochromocytoma. Also called: MAX-Related Hereditary Paraganglioma-Pheochromocytoma Syndrome. Identifiers: Orphanet 29072, MedGen C0031511, MONDO:0008233, OMIM 171300, HP:0002666.
Hirschsprung disease, susceptibility to, 1 (HSCR1). Also called: RET-Related Hirschsprung Disease. Identifiers: Orphanet 388, MedGen C3888239, MONDO:0007723, OMIM 142623.
Familial medullary thyroid carcinoma (MTC). Also called: Thyroid cancer, familial medullary; MTC, familial; Familial Medullary Thyroid Carcinoma (FMTC). Identifiers: Orphanet 653, Orphanet 99361, MedGen C1833921, MONDO:0007958, OMIM 155240.
Multiple endocrine neoplasia type 2B. Also called: WAGENMANN-FROBOESE SYNDROME; MULTIPLE ENDOCRINE NEOPLASIA, TYPE III; MEN 2B; MUCOSAL NEUROMA SYNDROME; MULTIPLE ENDOCRINE NEOPLASIA, TYPE IIB; MEN IIB. Identifiers: Orphanet 247709, Orphanet 653, MedGen C0025269, MeSH D018814, MONDO:0008082, OMIM 162300.
Multiple endocrine neoplasia type 2A. Also called: MULTIPLE ENDOCRINE NEOPLASIA, TYPE IIA; PTC SYNDROME; SIPPLE SYNDROME; MEN 2A; MEN-2A syndrome; Pheochromocytoma and amyloid producing medullary thyroid carcinoma. Identifiers: Orphanet 247698, Orphanet 653, MedGen C0025268, MeSH D018813, MONDO:0008234, OMIM 171400.
Hereditary cancer-predisposing syndrome. Also called: Tumor predisposition; Hereditary neoplastic syndrome; Neoplastic Syndromes, Hereditary; Hereditary Cancer Syndrome. Identifiers: Orphanet 140162, MedGen C0027672, MeSH D009386, MONDO:0015356.
Multiple endocrine neoplasia, type 2 (MEN2). Identifiers: Orphanet 653, MedGen C4048306, MONDO:0019003. Disease mechanism: gain of function.

Allele frequency attached by ClinVar (database versions not stated): gnomAD exomes 0.00003 and 0.00006; gnomAD 0.00004 and 0.00005; TOPMed 0.00005; ExAC 0.00011; 1000 Genomes Project 30x 0.00031; 1000 Genomes Project 0.00040.
gnomAD v4.1: 52 of 1,608,670 alleles (0.0032%); highest among the groups gnomAD compares: Middle Eastern, 0.037%; no homozygotes.

Submissions (9):

Labcorp Genetics (formerly Invitae), Labcorp
Classification: Benign for Multiple endocrine neoplasia, type 2. Last evaluated: 2026-01-31. Review status: criteria provided, single submitter. Criteria: Invitae Variant Classification Sherloc (09022015). Collection method: clinical testing. Allele origin: germline.

CeGaT Center for Human Genetics Tuebingen
Classification: Likely benign. Last evaluated: 2025-10-01. Review status: criteria provided, single submitter. Criteria: CeGaT Center For Human Genetics Tuebingen Variant Classification Criteria Version 2. Collection method: clinical testing. Allele origin: germline. Affected: yes. Observed: 1 variant allele.
Comment: RET: BP4, BP7

Myriad Genetics, Inc.
Classification: Benign for Multiple endocrine neoplasia type 2A. Last evaluated: 2025-02-27. Review status: criteria provided, single submitter. Criteria: Myriad Autosomal Dominant, Autosomal Recessive and X-Linked Classification Criteria (2023). Collection method: clinical testing. Allele origin: unknown.
Comment: This variant is considered benign. This variant is a silent/synonymous amino acid change and it is not expected to impact splicing.

All of Us Research Program, National Institutes of Health
Classification: Likely benign for Multiple endocrine neoplasia, type 2. Last evaluated: 2024-01-11. Review status: criteria provided, single submitter. Criteria: ACMG Guidelines, 2015. Collection method: clinical testing. Allele origin: germline. Inheritance: Autosomal dominant inheritance. Observed: 12 variant alleles, 12 heterozygotes.
Comment: This study involves interpretation of variants in research participants for the purpose of population health screening. Participant phenotype was not available at the time of variant classification. Additional details can be found in publication PMID: 35346344, PMCID: PMC8962531

Color Diagnostics, LLC DBA Color Health
Classification: Likely benign for Multiple endocrine neoplasia, type 2. Last evaluated: 2022-09-29. Review status: criteria provided, single submitter. Criteria: ACMG Guidelines, 2015. Collection method: clinical testing. Allele origin: germline.

Fulgent Genetics
Classification: Likely benign for Hirschsprung disease, susceptibility to, 1; Familial medullary thyroid carcinoma; Multiple endocrine neoplasia type 2B; Pheochromocytoma; Multiple endocrine neoplasia type 2A. Last evaluated: 2022-01-06. Review status: criteria provided, single submitter. Criteria: ACMG Guidelines, 2015. Collection method: clinical testing. Allele origin: unknown.

Blueprint Genetics
Classification: Likely benign. Last evaluated: 2020-02-27. Review status: criteria provided, single submitter. Criteria: ACMG Guidelines, 2015. Collection method: clinical testing. Allele origin: germline.

Ambry Genetics
Classification: Likely benign for Hereditary cancer-predisposing syndrome. Last evaluated: 2015-11-09. Review status: criteria provided, single submitter. Criteria: Ambry Variant Classification Scheme 2023. Collection method: clinical testing. Allele origin: germline.

Breakthrough Genomics
Classification: Likely benign. Review status: criteria provided, single submitter. Criteria: ACMG Guidelines, 2015. Collection method: not provided. Allele origin: germline. Inheritance: Autosomal dominant inheritance. Affected: yes.